The following is an entry in ClinVar:

NM_138711.6(PPARG):c.1137C>T (p.Asp379=)

Gene: PPARG (peroxisome proliferator activated receptor gamma; plus strand). Cytogenetic location: 3p25.2.
Variant type: single nucleotide variant.
Coding change: c.1137C>T on transcript NM_138711.6 (MANE Select); coding-DNA position 1137, C replaced by T.
Protein change: p.Asp379=; no amino-acid change (aspartic acid 379 retained).
Molecular consequence: synonymous variant. On other transcripts: intron variant (5).
Genome position (GRCh38, 1-based): chr3:12,417,111, C>T. VCF-style: chr3-12417111-C-T. GRCh37 (hg19) VCF-style: chr3-12458610-C-T.
Other names: c.1137C>T, p.Asp379= (NM_001354666.3, NM_001354667.3, NM_001374263.2 and 3 more transcripts); c.510C>T, p.Asp170= (NM_001354669.2); c.1227C>T, p.Asp409= (NM_015869.5); c.729+11030C>T (NM_001374261.3, NM_001374262.3, NM_001330615.4); c.653+11112C>T (NM_001374266.1); c.819+11030C>T (NM_001374265.1).
Identifiers: ClinVar variation 4981790 (VCV004981790.1).
Genomic context (GRCh38, chr3:12,417,111, plus strand): 5'-TGACTTTATGGAGCCCAAGTTTGAGTTTGCTGTGAAGTTCAATGCACTGGAATTAGATGA[C>T]AGCGACTTGGCAATATTTATTGCTGTCATTATTCTCAGTGGAGGTAAGATTTGTCTTTTG-3'
Protein context (NP_619725.3, residues 369-389): AVKFNALELD[Asp379=]SDLAIFIAVI

ClinVar aggregate classification (germline): Likely benign (1 of 4 stars; one submission).

Conditions:
PPARG-related disorder. Also called: PPARG-related condition; PPARG-related disorders.

Submission:

PreventionGenetics, part of Exact Sciences
Classification: Likely benign for PPARG-related condition. Last evaluated: 2026-06-24. Review status: criteria provided, single submitter. Criteria: ACMG Guidelines, 2015. Collection method: clinical testing. Allele origin: germline.
Comment: This variant is classified as likely benign based on ACMG/AMP sequence variant interpretation guidelines (Richards et al. 2015 PMID: 25741868, with internal and published modifications).